The following is an entry in ClinVar:

NM_002645.4(PIK3C2A):c.2251A>G (p.Ile751Val)

Gene: PIK3C2A (phosphatidylinositol-4-phosphate 3-kinase catalytic subunit type 2 alpha; minus strand). Cytogenetic location: 11p15.1.
Variant type: single nucleotide variant.
Coding change: c.2251A>G on transcript NM_002645.4 (MANE Select); coding-DNA position 2251, A replaced by G.
Protein change: p.Ile751Val; replaces isoleucine 751 with valine.
Molecular consequence: missense variant. On other transcripts: intron variant (1).
Genome position (GRCh38, 1-based): chr11:17,129,448, T>C on the plus strand (A>G on the coding strand, the complement: PIK3C2A is on the minus strand). VCF-style: chr11-17129448-T-C. GRCh37 (hg19) VCF-style: chr11-17150995-T-C.
Other names: c.2251A>G, p.Ile751Val (NM_001321378.2); c.1111A>G, p.Ile371Val (NM_001321380.2); c.2231+2468A>G (NM_001386870.1); c.2251A>G (NM_002645.2); short protein forms I371V, I751V.
Identifiers: ClinVar variation 1990400 (VCV001990400.5), dbSNP rs976991795, ClinGen allele CA218392681.

ClinVar aggregate classification (germline): Uncertain significance. Review status: criteria provided, multiple submitters, no conflicts (2 of 4 stars). 2 submissions from 2 submitters: Uncertain significance (2). Last evaluated 2025-10-23.

Allele frequency attached by ClinVar (database versions not stated): gnomAD exomes below 0.00001; gnomAD 0.00001; TOPMed 0.00001.
gnomAD v4.1: 6 of 1,605,226 alleles (0.00037%); highest among the groups gnomAD compares: Non-Finnish European, 0.00051%; no homozygotes.

Submissions (2):

Ambry Genetics
Classification: Uncertain significance. Last evaluated: 2025-10-23. Review status: criteria provided, single submitter. Criteria: Ambry Variant Classification Scheme 2023. Collection method: clinical testing. Allele origin: germline.

Labcorp Genetics (formerly Invitae), Labcorp
Classification: Uncertain significance. Last evaluated: 2022-03-19. Review status: criteria provided, single submitter. Criteria: Invitae Variant Classification Sherloc (09022015). Collection method: clinical testing. Allele origin: germline.
Comment: This sequence change replaces isoleucine, which is neutral and non-polar, with valine, which is neutral and non-polar, at codon 751 of the PIK3C2A protein (p.Ile751Val). This variant is not present in population databases (gnomAD no frequency). This variant has not been reported in the literature in individuals affected with PIK3C2A-related conditions. Algorithms developed to predict the effect of missense changes on protein structure and function are either unavailable or do not agree on the potential impact of this missense change (SIFT: "Not Available"; PolyPhen-2: "Benign"; Align-GVGD: "Not Available"). Algorithms developed to predict the effect of sequence changes on RNA splicing suggest that this variant may create or strengthen a splice site. In summary, the available evidence is currently insufficient to determine the role of this variant in disease. Therefore, it has been classified as a Variant of Uncertain Significance.